The following is an entry in ClinVar:

ClinVar aggregate classification (germline): Uncertain significance (1 of 4 stars; one submission).

Conditions:
Inborn genetic diseases. Identifiers: MedGen C0950123, MeSH D030342.

Submission:

Ambry Genetics
Classification: Uncertain significance for Inborn genetic diseases. Last evaluated: 2022-06-29. Review status: criteria provided, single submitter. Criteria: Ambry Variant Classification Scheme 2023. Collection method: clinical testing. Allele origin: germline.
Comment: The p.F2083C variant (also known as c.6248T>G), located in coding exon 42 of the LRRK2 gene, results from a T to G substitution at nucleotide position 6248. The phenylalanine at codon 2083 is replaced by cysteine, an amino acid with highly dissimilar properties. This amino acid position is conserved. In addition, this alteration is predicted to be deleterious by in silico analysis. Since supporting evidence is limited at this time, the clinical significance of this alteration remains unclear.

NM_198578.4(LRRK2):c.6248T>G (p.Phe2083Cys)

Gene: LRRK2 (leucine rich repeat kinase 2; plus strand). Cytogenetic location: 12q12.
Variant type: single nucleotide variant.
Coding change: c.6248T>G on transcript NM_198578.4 (MANE Select); coding-DNA position 6248, T replaced by G.
Protein change: p.Phe2083Cys; replaces phenylalanine 2083 with cysteine.
Molecular consequence: missense variant.
Genome position (GRCh38, 1-based): chr12:40,346,891, T>G. VCF-style: chr12-40346891-T-G. GRCh37 (hg19) VCF-style: chr12-40740693-T-G.
Other names: short protein forms F2083C.
Identifiers: ClinVar variation 1752410 (VCV001752410.2), dbSNP rs1271455262, ClinGen allele CA384405634.